The following is an entry in ClinVar:

NM_015909.4(NBAS):c.2097+4A>G

Gene: NBAS (NBAS subunit of NRZ tethering complex; minus strand). Cytogenetic location: 2p24.3.
Variant type: single nucleotide variant.
Coding change: c.2097+4A>G on transcript NM_015909.4 (MANE Select); 4 bases into the intron after coding-DNA position 2097, A replaced by G.
Molecular consequence: intron variant.
Genome position (GRCh38, 1-based): chr2:15,467,325, T>C on the plus strand (A>G on the coding strand, the complement: NBAS is on the minus strand). VCF-style: chr2-15467325-T-C. GRCh37 (hg19) VCF-style: chr2-15607449-T-C.
Identifiers: ClinVar variation 2023854 (VCV002023854.4), dbSNP rs2528103995, ClinGen allele CA2580063640.
Genomic context (GRCh38, chr2:15,467,325, plus strand): 5'-AGCCATAGCATTTATAATGACAGATCAAATGAACATAATTGGTTTGACAAAAATTATTCA[T>C]TACCTCATATGTTGCAAGTCGATCTAAGTAGGTTAATAACTTCCGTCTACAACGGCAAAG-3'

ClinVar aggregate classification (germline): Uncertain significance (1 of 4 stars; one submission).

Submission:

Labcorp Genetics (formerly Invitae), Labcorp
Classification: Uncertain significance. Last evaluated: 2022-08-12. Review status: criteria provided, single submitter. Criteria: Invitae Variant Classification Sherloc (09022015). Collection method: clinical testing. Allele origin: germline.
Comment: In summary, the available evidence is currently insufficient to determine the role of this variant in disease. Therefore, it has been classified as a Variant of Uncertain Significance. Variants that disrupt the consensus splice site are a relatively common cause of aberrant splicing (PMID: 17576681, 9536098). Algorithms developed to predict the effect of sequence changes on RNA splicing suggest that this variant may disrupt the consensus splice site. This variant has not been reported in the literature in individuals affected with NBAS-related conditions. This variant is not present in population databases (gnomAD no frequency). This sequence change falls in intron 19 of the NBAS gene. It does not directly change the encoded amino acid sequence of the NBAS protein. It affects a nucleotide within the consensus splice site.

Literature cited by the submitters: PubMed 17576681; PubMed 9536098.